The following is an entry in ClinVar:

NM_002206.3(ITGA7):c.1816G>T (p.Ala606Ser)

Gene: ITGA7 (integrin subunit alpha 7; minus strand). Cytogenetic location: 12q13.2.
Variant type: single nucleotide variant.
Coding change: c.1816G>T on transcript NM_002206.3 (MANE Select); coding-DNA position 1816, G replaced by T.
Protein change: p.Ala606Ser; replaces alanine 606 with serine.
Molecular consequence: missense variant.
Genome position (GRCh38, 1-based): chr12:55,696,354, C>A on the plus strand (G>T on the coding strand, the complement: ITGA7 is on the minus strand). VCF-style: chr12-55696354-C-A. GRCh37 (hg19) VCF-style: chr12-56090138-C-A.
Other names: c.1816G>T (NM_002206.2); c.1828G>T, p.Ala610Ser (NM_001144996.2); c.1537G>T, p.Ala513Ser (NM_001144997.2); c.1489G>T, p.Ala497Ser (NM_001367993.1); c.472G>T, p.Ala158Ser (NM_001367994.1); c.1798G>T, p.Ala600Ser (NM_001374465.1); c.1948G>T, p.Ala650Ser (NM_001410977.1); c.1810G>T, p.Ala604Ser (NM_001414029.1); and 6 more; short protein forms A493S, A581S, A606S, A497S, A513S, A545S, A577S, A604S.
Identifiers: ClinVar variation 1922243 (VCV001922243.7), dbSNP rs753283257, ClinGen allele CA6615822.

ClinVar aggregate classification (germline): Uncertain significance. Review status: criteria provided, multiple submitters, no conflicts (2 of 4 stars). 2 submissions from 2 submitters: Uncertain significance (2). Last evaluated 2023-07-07.

Conditions:
Congenital muscular dystrophy due to integrin alpha-7 deficiency. Also called: Congenital muscular dystrophy with integrin alpha-7 deficiency; Muscular dystrophy, congenital, due to ITGA7 deficiency; MYOPATHY, CONGENITAL, DUE TO INTEGRIN ALPHA-7 DEFICIENCY. Identifiers: Orphanet 34520, MedGen C2750786, MONDO:0013177, OMIM 613204.

Allele frequency attached by ClinVar (database versions not stated): gnomAD 0.00003; TOPMed 0.00003.
gnomAD v4.1: 12 of 1,589,746 alleles (0.00075%); highest among the groups gnomAD compares: African/African-American, 0.016%; no homozygotes.

Submissions (2):

Labcorp Genetics (formerly Invitae), Labcorp
Classification: Uncertain significance for Congenital muscular dystrophy due to integrin alpha-7 deficiency. Last evaluated: 2023-07-07. Review status: criteria provided, single submitter. Criteria: Invitae Variant Classification Sherloc (09022015). Collection method: clinical testing. Allele origin: germline.
Comment: This sequence change replaces alanine, which is neutral and non-polar, with serine, which is neutral and polar, at codon 606 of the ITGA7 protein (p.Ala606Ser). In summary, the available evidence is currently insufficient to determine the role of this variant in disease. Therefore, it has been classified as a Variant of Uncertain Significance. An algorithm developed to predict the effect of missense changes on protein structure and function (PolyPhen-2) suggests that this variant¬†is likely to be tolerated. ClinVar contains an entry for this variant (Variation ID: 1922243). This variant has not been reported in the literature in individuals affected with ITGA7-related conditions. The frequency data for this variant in the population databases is considered unreliable, as metrics indicate poor data quality at this position in the gnomAD database.

Revvity Omics, Revvity
Classification: Uncertain significance for Congenital muscular dystrophy due to integrin alpha-7 deficiency. Last evaluated: 2020-02-28. Review status: criteria provided, single submitter. Criteria: ACMG Guidelines, 2015. Collection method: clinical testing. Allele origin: germline.